The following is an entry in ClinVar:

ClinVar aggregate classification (germline): Pathogenic/Likely pathogenic. Review status: criteria provided, multiple submitters, no conflicts (2 of 4 stars). 4 submissions from 4 submitters: Pathogenic (3); Likely pathogenic (1). Last evaluated 2025-01-22.

Conditions:
Familial X-linked hypophosphatemic vitamin D refractory rickets (XLHRD). Also called: Hypophosphatemia, vitamin D-resistant rickets; Vitamin D-resistant rickets, X-linked; X-Linked Hypophosphatemia; Hypophosphatemic Rickets, X-Linked Dominant; HYPOPHOSPHATEMIC VITAMIN D-RESISTANT RICKETS. Identifiers: Orphanet 89936, MedGen C0733682, MONDO:0010619, OMIM 307800.

Submissions (4):

Women's Health and Genetics/Laboratory Corporation of America, LabCorp
Classification: Pathogenic for Familial X-linked hypophosphatemic vitamin D refractory rickets. Last evaluated: 2025-01-22. Review status: criteria provided, single submitter. Criteria: LabCorp Variant Classification Summary - May 2015. Collection method: clinical testing. Allele origin: germline.
Comment: Variant summary: PHEX c.733-1G>A is located in a canonical splice-site and is predicted to affect mRNA splicing resulting in a significantly altered protein due to either exon skipping, shortening, or inclusion of intronic material. Variants that disrupt the consensus splice site are a relatively common cause of aberrant splicing and loss of PHEX function. Several computational tools predict a significant impact on normal splicing: Four predict the variant abolishes a canonical 3' acceptor site. At least one publication reports experimental evidence that this variant affects mRNA splicing. The variant was absent in 183254 control chromosomes. c.733-1G>A has been reported in the literature in at-least one individual affected with X-Linked Hypophosphatemic Rickets and the authors reported skipping of exon 7 has been confirmed by reverse transcription of mRNA followed by PCR (example: Rowe_1997). The following publication has been ascertained in the context of this evaluation (PMID: 9097956). ClinVar contains an entry for this variant (Variation ID: 279869). Based on the evidence outlined above, the variant was classified as pathogenic.

Fulgent Genetics
Classification: Likely pathogenic for Familial X-linked hypophosphatemic vitamin D refractory rickets. Last evaluated: 2024-04-04. Review status: criteria provided, single submitter. Criteria: ACMG Guidelines, 2015. Collection method: clinical testing. Allele origin: germline.

Labcorp Genetics (formerly Invitae), Labcorp
Classification: Pathogenic. Last evaluated: 2022-04-07. Review status: criteria provided, single submitter. Criteria: Invitae Variant Classification Sherloc (09022015). Collection method: clinical testing. Allele origin: germline.
Comment: This sequence change affects an acceptor splice site in intron 6 of the PHEX gene. It is expected to disrupt RNA splicing. Variants that disrupt the donor or acceptor splice site typically lead to a loss of protein function (PMID: 16199547), and loss-of-function variants in PHEX are known to be pathogenic (PMID: 9097956, 9106524, 19219621). For these reasons, this variant has been classified as Pathogenic. Algorithms developed to predict the effect of sequence changes on RNA splicing suggest that this variant may disrupt the consensus splice site. ClinVar contains an entry for this variant (Variation ID: 279869). This variant is also known as P3E23 exon 2 acceptor. Disruption of this splice site has been observed in individuals with hypophosphatemia (PMID: 7550339, 9097956). This variant is not present in population databases (gnomAD no frequency).

GeneDx
Classification: Pathogenic. Last evaluated: 2016-07-16. Review status: criteria provided, single submitter. Criteria: GeneDx Variant Classification (06012015). Collection method: clinical testing. Allele origin: germline. Affected: yes.
Comment: The c.733-1 G>A splice site variant in the PHEX gene has been previously reported in association with X-linked hypophosphatemic rickets (HYP Consortium 1995; Rowe et al., 1997). This variant destroys the canonical splice acceptor site in intron 6, and is expected to cause abnormal gene splicing. The c.733-1 G>A variant was not observed in approximately 6,500 individuals of European and African American ancestry in the NHLBI Exome Sequencing Project, indicating it is not a common benign variant in these populations. Therefore, we consider this variant to be pathogenic.

Literature cited by the submitters: PubMed 9097956 (cited by Women's Health and Genetics/Laboratory Corporation of America, LabCorp and Labcorp Genetics (formerly Invitae), Labcorp); PubMed 16199547 (cited by Labcorp Genetics (formerly Invitae), Labcorp); PubMed 9106524 (cited by Labcorp Genetics (formerly Invitae), Labcorp); PubMed 19219621 (cited by Labcorp Genetics (formerly Invitae), Labcorp); PubMed 7550339 (cited by Labcorp Genetics (formerly Invitae), Labcorp).

NM_000444.6(PHEX):c.733-1G>A

Gene: PHEX (phosphate regulating endopeptidase X-linked; plus strand). Cytogenetic location: Xp22.11.
Variant type: single nucleotide variant.
Coding change: c.733-1G>A on transcript NM_000444.6 (MANE Select); the canonical splice acceptor site of the intron before coding-DNA position 733, G replaced by A.
Molecular consequence: splice acceptor variant.
Genome position (GRCh38, 1-based): chrX:22,093,982, G>A. VCF-style: chrX-22093982-G-A. GRCh37 (hg19) VCF-style: chrX-22112100-G-A.
Other names: c.733-1G>A (NM_001282754.2).
Identifiers: ClinVar variation 279869 (VCV000279869.13), dbSNP rs886041223, ClinGen allele CA10603559.
Genomic context (GRCh38, chrX:22,093,982, plus strand): 5'-CTCTCAAACATATTTCCTAAGAAGCTATTGTCATGGTCACTTTGTTCTTTATTTCTTACA[G>A]TATCGGGATGCCCTTTACAAGTTCATGGTGGATACTGCCGTGCTTTTAGGAGCTAACAGT-3'